The following is an entry in ClinVar:

NM_005184.4(CALM3):c.42G>A (p.Lys14=)

Gene: CALM3 (calmodulin 3; plus strand). Cytogenetic location: 19q13.32.
Variant type: single nucleotide variant.
Coding change: c.42G>A on transcript NM_005184.4 (MANE Select); coding-DNA position 42, G replaced by A.
Protein change: p.Lys14=; no amino-acid change (lysine 14 retained).
Molecular consequence: synonymous variant. On other transcripts: 5 prime UTR variant (4), splice acceptor variant (1).
Genome position (GRCh38, 1-based): chr19:46,608,204, G>A. VCF-style: chr19-46608204-G-A. GRCh37 (hg19) VCF-style: chr19-47111461-G-A.
Other names: c.-67G>A (NM_001329921.1, NM_001329923.1, NM_001329924.2 and 1 more transcripts); c.42G>A, p.Lys14= (NM_001329922.1); c.-66-1G>A (NM_001329926.2).
Identifiers: ClinVar variation 1739538 (VCV001739538.3), dbSNP rs1971785076, ClinGen allele CA507972899.

ClinVar aggregate classification (germline): Conflicting classifications of pathogenicity. Review status: criteria provided, conflicting classifications (1 of 4 stars). 2 submissions from 2 submitters: Uncertain significance (1); Likely benign (1). Last evaluated 2022-09-14.

Conditions:
Cardiovascular phenotype. Identifiers: MedGen CN230736.

Allele frequency attached by ClinVar (database versions not stated): gnomAD 0.00001; TOPMed 0.00001.
gnomAD v4.1: 1 of 1,613,506 alleles (0.000062%); highest among the groups gnomAD compares: African/African-American, 0.0013%; no homozygotes.

Submissions (2):

Blueprint Genetics
Classification: Likely benign. Last evaluated: 2022-09-14. Review status: criteria provided, single submitter. Criteria: ACMG Guidelines, 2015. Collection method: clinical testing. Allele origin: germline.

Ambry Genetics
Classification: Uncertain significance for Cardiovascular phenotype. Last evaluated: 2022-06-06. Review status: criteria provided, single submitter. Criteria: Ambry Variant Classification Scheme 2023. Collection method: clinical testing. Allele origin: germline.
Comment: The c.42G>A variant (also known as p.K14K), located in coding exon 3 of the CALM3 gene, results from a G to A substitution at nucleotide position 42. This nucleotide substitution does not change the lysine at codon 14. This nucleotide position is well conserved in available vertebrate species. In silico splice site analysis for this alteration is inconclusive. Since supporting evidence is limited at this time, the clinical significance of this alteration remains unclear.